The following is an entry in ClinVar:

NM_207122.2(EXT2):c.1066C>T (p.Leu356Phe)

Gene: EXT2 (exostosin glycosyltransferase 2; plus strand). Cytogenetic location: 11p11.2.
Variant type: single nucleotide variant.
Coding change: c.1066C>T on transcript NM_207122.2 (MANE Select); coding-DNA position 1066, C replaced by T.
Protein change: p.Leu356Phe; replaces leucine 356 with phenylalanine.
Molecular consequence: missense variant.
Genome position (GRCh38, 1-based): chr11:44,126,942, C>T. VCF-style: chr11-44126942-C-T. GRCh37 (hg19) VCF-style: chr11-44148492-C-T.
Other names: c.1165C>T, p.Leu389Phe (NM_000401.3); c.1066C>T, p.Leu356Phe (NM_001178083.3, NM_001389628.1, NM_001389630.1); short protein forms L389F, L356F.
Identifiers: ClinVar variation 2051850 (VCV002051850.4), dbSNP rs574960814, ClinGen allele CA5955086.

ClinVar aggregate classification (germline): Uncertain significance (1 of 4 stars; one submission).

Conditions:
Exostoses, multiple, type 2 (EXT2). Also called: Hereditary Multiple Osteochondromatosis, Type II; EXOSTOSES, MULTIPLE, TYPE II. Identifiers: Orphanet 321, MedGen C1851413, MONDO:0007586, OMIM 133701.

Allele frequency attached by ClinVar (database versions not stated): gnomAD exomes below 0.00001; ExAC 0.00001; gnomAD 0.00001; 1000 Genomes Project 30x 0.00016; 1000 Genomes Project 0.00020.
gnomAD v4.1: 8 of 1,614,138 alleles (0.0005%); highest among the groups gnomAD compares: South Asian, 0.0077%; no homozygotes.

Submission:

Labcorp Genetics (formerly Invitae), Labcorp
Classification: Uncertain significance for Exostoses, multiple, type 2. Last evaluated: 2022-08-20. Review status: criteria provided, single submitter. Criteria: Invitae Variant Classification Sherloc (09022015). Collection method: clinical testing. Allele origin: germline.
Comment: This variant is present in population databases (rs574960814, gnomAD 0.006%). This sequence change replaces leucine, which is neutral and non-polar, with phenylalanine, which is neutral and non-polar, at codon 356 of the EXT2 protein (p.Leu356Phe). This variant has not been reported in the literature in individuals affected with EXT2-related conditions. In summary, the available evidence is currently insufficient to determine the role of this variant in disease. Therefore, it has been classified as a Variant of Uncertain Significance. Algorithms developed to predict the effect of missense changes on protein structure and function are either unavailable or do not agree on the potential impact of this missense change (SIFT: "Deleterious"; PolyPhen-2: "Probably Damaging"; Align-GVGD: "Class C0").